The following is an entry in ClinVar:

NM_000179.3(MSH6):c.1051_1053del (p.His351del)

Gene: MSH6 (mutS homolog 6; plus strand). Cytogenetic location: 2p16.3.
Variant type: Deletion.
Coding change: c.1051_1053del on transcript NM_000179.3 (MANE Select); coding-DNA positions 1051 to 1053, 3 bases deleted (CAC; older notation c.1051_1053delCAC).
Protein change: p.His351del; deletes histidine 351.
Molecular consequence: inframe deletion.
Genome position (GRCh38, 1-based): chr2:47,799,034-47,799,036, CAC deleted; deleting any 3 consecutive bases within chr2:47,799,033-47,799,036 gives the same sequence; the c. name uses the placement nearest the transcript's 3' end. VCF-style (leftmost placement, unchanged base first): chr2-47799032-CCCA-C. GRCh37 (hg19) VCF-style: chr2-48026171-CCCA-C.
Other names: c.1051_1053delCAC (NM_000179.2); c.661_663del, p.His221del (NM_001281492.2); c.145_147del, p.His49del (NM_001281493.2, NM_001281494.2); short protein forms H351del, H221del, H49del.
Identifiers: ClinVar variation 938615 (VCV000938615.12), dbSNP rs1669288901, ClinGen allele CA1139657006.
Genomic context (GRCh38, chr2:47,799,032, plus strand): 5'-CATCAGAAACCAAGAATACTTTGAGAGCTTTCTCTGCCCCTCAAAATTCTGAATCCCAAG[CCCA>C]CGTTAGTGGAGGTGGTGATGACAGTAGTCGCCCTACTGTTTGGTATCATGAAACTTTAGA-3'

ClinVar aggregate classification (germline): Uncertain significance. Review status: criteria provided, multiple submitters, no conflicts (2 of 4 stars). 3 submissions from 3 submitters: Uncertain significance (3). Last evaluated 2025-08-20.

Conditions:
Hereditary nonpolyposis colorectal neoplasms. Identifiers: MedGen C0009405, MeSH D003123.
Hereditary cancer-predisposing syndrome. Also called: Tumor predisposition; Hereditary neoplastic syndrome; Hereditary Cancer Syndrome; Neoplastic Syndromes, Hereditary. Identifiers: Orphanet 140162, MedGen C0027672, MeSH D009386, MONDO:0015356.

Submissions (3):

Color Diagnostics, LLC DBA Color Health
Classification: Uncertain significance for Hereditary cancer-predisposing syndrome. Last evaluated: 2025-08-20. Review status: criteria provided, single submitter. Criteria: ACMG Guidelines, 2015. Collection method: clinical testing. Allele origin: germline.
Comment: This variant causes the deletion of histidine at position 351 of the MSH6 protein. To our knowledge, functional studies have not been reported for this variant. This variant has not been reported in individuals affected with MSH6-related disorders in the literature. This variant has not been identified in the general population by the Genome Aggregation Database (gnomAD). The available evidence is insufficient to determine the role of this variant in disease conclusively. Therefore, this variant is classified as a Variant of Uncertain Significance.

Labcorp Genetics (formerly Invitae), Labcorp
Classification: Uncertain significance for Hereditary nonpolyposis colorectal neoplasms. Last evaluated: 2024-02-17. Review status: criteria provided, single submitter. Criteria: Invitae Variant Classification Sherloc (09022015). Collection method: clinical testing. Allele origin: germline.
Comment: This variant, c.1051_1053del, results in the deletion of 1 amino acid(s) of the MSH6 protein (p.His351del), but otherwise preserves the integrity of the reading frame. This variant is not present in population databases (gnomAD no frequency). This variant has not been reported in the literature in individuals affected with MSH6-related conditions. ClinVar contains an entry for this variant (Variation ID: 938615). Experimental studies and prediction algorithms are not available or were not evaluated, and the functional significance of this variant is currently unknown. In summary, the available evidence is currently insufficient to determine the role of this variant in disease. Therefore, it has been classified as a Variant of Uncertain Significance.

Ambry Genetics
Classification: Uncertain significance for Hereditary cancer-predisposing syndrome. Last evaluated: 2020-02-28. Review status: criteria provided, single submitter. Criteria: Ambry Variant Classification Scheme 2023. Collection method: clinical testing. Allele origin: germline.
Comment: The c.1051_1053delCAC variant (also known as p.H351del) is located in coding exon 4 of the MSH6 gene. This variant results from an in-frame CAC deletion at nucleotide positions 1051 to 1053. This results in the in-frame deletion of a histidine at codon 351. This amino acid position is not well conserved in available vertebrate species. In addition, this alteration is predicted to be neutral by in silico analysis (Choi Y et al. PLoS ONE. 2012; 7(10):e46688). Since supporting evidence is limited at this time, the clinical significance of this alteration remains unclear.